The following is an entry in ClinVar:

NM_000780.4(CYP7A1):c.404G>A (p.Gly135Asp)

Gene: CYP7A1 (cytochrome P450 family 7 subfamily A member 1; minus strand). Cytogenetic location: 8q12.1.
Variant type: single nucleotide variant.
Coding change: c.404G>A on transcript NM_000780.4 (MANE Select); coding-DNA position 404, G replaced by A.
Protein change: p.Gly135Asp; replaces glycine 135 with aspartic acid.
Molecular consequence: missense variant.
Genome position (GRCh38, 1-based): chr8:58,497,108, C>T on the plus strand (G>A on the coding strand, the complement: CYP7A1 is on the minus strand). VCF-style: chr8-58497108-C-T. GRCh37 (hg19) VCF-style: chr8-59409667-C-T.
Other names: short protein forms G135D.
Identifiers: ClinVar variation 3354292 (VCV003354292.1).

ClinVar aggregate classification (germline): Uncertain significance (0 of 4 stars; one submission).

Conditions:
CYP7A1-related disorder. Also called: CYP7A1-related condition.

gnomAD v4.1: 4 of 1,600,224 alleles (0.00025%); highest among the groups gnomAD compares: East Asian, 0.0045%; no homozygotes.

Submission:

PreventionGenetics, part of Exact Sciences
Classification: Uncertain significance for CYP7A1-related condition. Last evaluated: 2024-06-12. Review status: no assertion criteria provided. Collection method: clinical testing. Allele origin: germline.
Comment: The CYP7A1 c.404G>A variant is predicted to result in the amino acid substitution p.Gly135Asp. To our knowledge, this variant has not been reported in the literature. This variant is reported in 0.0033% of alleles in individuals of South Asian descent in gnomAD. At this time, the clinical significance of this variant is uncertain due to the absence of conclusive functional and genetic evidence.